The following is an entry in ClinVar:

NM_005422.4(TECTA):c.4613A>G (p.Asn1538Ser)

Genes: TBCEL-TECTA (TBCEL-TECTA readthrough; plus strand), TECTA (tectorin alpha; plus strand). Cytogenetic location: 11q23.3.
Variant type: single nucleotide variant.
Coding change: c.4613A>G on transcript NM_005422.4 (MANE Select); coding-DNA position 4613, A replaced by G.
Protein change: p.Asn1538Ser; replaces asparagine 1538 with serine.
Molecular consequence: missense variant.
Genome position (GRCh38, 1-based): chr11:121,158,148, A>G. VCF-style: chr11-121158148-A-G. GRCh37 (hg19) VCF-style: chr11-121028857-A-G.
Other names: c.5570A>G, p.Asn1857Ser (NM_001378761.1); short protein forms N1538S, N1857S.
Identifiers: ClinVar variation 3377211 (VCV003377211.2).

ClinVar aggregate classification (germline): Uncertain significance. Review status: criteria provided, multiple submitters, no conflicts (2 of 4 stars). 2 submissions from 2 submitters: Uncertain significance (2). Last evaluated 2024-10-09.

Conditions:
Inborn genetic diseases. Identifiers: MedGen C0950123, MeSH D030342.
Autosomal dominant nonsyndromic hearing loss 12. Also called: DEAFNESS, AUTOSOMAL DOMINANT 8. Identifiers: Orphanet 90635, MedGen C1832187, MONDO:0011102, OMIM 601543.

gnomAD v4.1: 8 of 1,614,062 alleles (0.0005%); highest among the groups gnomAD compares: Non-Finnish European, 0.00068%; no homozygotes.

Submissions (2):

Victorian Clinical Genetics Services, Murdoch Childrens Research Institute
Classification: Uncertain significance for Autosomal dominant nonsyndromic hearing loss 12. Last evaluated: 2024-10-09. Review status: criteria provided, single submitter. Criteria: ACMG Guidelines, 2015. Collection method: clinical testing. Allele origin: germline. Inheritance: Autosomal dominant inheritance. Affected: yes.
Comment: Based on the classification scheme VCGS_Germline_v1.3.4, this variant is classified as VUS-3B. Following criteria are met: 0102 - Loss of function is a known mechanism of disease in this gene and is associated with autosomal recessive deafness 21 (MIM#603629). The mechanism for autosomal dominant deafness 8/12 (MIM#601543) is unknown, but dominant negative is a suggested mechanism (OMIM, PMID: 31554319). (I) 0108 - This gene is associated with both recessive and dominant disease. Generally, biallelic loss of function variants cause recessive deafness, while missense variants cause dominant deafness (PMID: 9949200, 20947814, 28946916). (I) 0200 - Variant is predicted to result in a missense amino acid change from asparagine to serine. (I) 0251 - This variant is heterozygous. (I) 0301 - Variant is absent from gnomAD (both v2 and v3). (SP) 0502 - Missense variant with conflicting in silico predictions and uninformative conservation. (I) 0600 - Variant is located in the annotated VWD domain (DECIPHER). (I) 0705 - No comparable missense variants have previous evidence for pathogenicity. (I) 0807 - This variant has no previous evidence of pathogenicity. (I) 0905 - No published segregation evidence has been identified for this variant. (I) 1007 - No published functional evidence has been identified for this variant. (I) 1208 - Inheritance information for this variant is not currently available in this individual. (I) Legend: (SP) - Supporting pathogenic, (I) - Information, (SB) - Supporting benign

Ambry Genetics
Classification: Uncertain significance for Inborn genetic diseases. Last evaluated: 2024-10-07. Review status: criteria provided, single submitter. Criteria: Ambry Variant Classification Scheme 2023. Collection method: clinical testing. Allele origin: germline.

Literature cited by the submitters: PubMed 9949200 (cited by Victorian Clinical Genetics Services, Murdoch Childrens Research Institute); PubMed 20947814 (cited by Victorian Clinical Genetics Services, Murdoch Childrens Research Institute); PubMed 28946916 (cited by Victorian Clinical Genetics Services, Murdoch Childrens Research Institute); PubMed 31554319 (cited by Victorian Clinical Genetics Services, Murdoch Childrens Research Institute).